The following is an entry in ClinVar:

NM_001372.4(DNAH9):c.5709+1G>T

Gene: DNAH9 (dynein axonemal heavy chain 9; plus strand). Cytogenetic location: 17p12.
Variant type: single nucleotide variant.
Coding change: c.5709+1G>T on transcript NM_001372.4 (MANE Select); the canonical splice donor site of the intron after coding-DNA position 5709, G replaced by T.
Molecular consequence: splice donor variant.
Genome position (GRCh38, 1-based): chr17:11,719,491, G>T. VCF-style: chr17-11719491-G-T. GRCh37 (hg19) VCF-style: chr17-11622808-G-T.
Identifiers: ClinVar variation 2737700 (VCV002737700.4), dbSNP rs2075018501, ClinGen allele CA398188049.
Genomic context (GRCh38, chr17:11,719,491, plus strand): 5'-GGCCGCGCACTGGGCATCCTGGTCTATGTGTTCAACTGCTCGGAGCAGATGGATTACAAG[G>T]TACAGTTCCACCCGGCTTCCTGGGGGTGGGGGTGGGGGATAGGAACTCAGGGCACCAAAT-3'

ClinVar aggregate classification (germline): Likely pathogenic. Review status: criteria provided, multiple submitters, no conflicts (2 of 4 stars). 2 submissions from 2 submitters: Likely pathogenic (2). Last evaluated 2024-10-15.

Conditions:
DNAH9-related disorder. Also called: DNAH9-related condition.

Allele frequency attached by ClinVar (database versions not stated): gnomAD exomes below 0.00001; TOPMed 0.00001.
gnomAD v4.1: 5 of 1,608,212 alleles (0.00031%); highest among the groups gnomAD compares: Non-Finnish European, 0.00042%; no homozygotes.

Submissions (2):

Blueprint Genetics
Classification: Likely pathogenic for DNAH9-related disorders. Last evaluated: 2024-10-15. Review status: criteria provided, single submitter. Criteria: ACMG Guidelines, 2015. Collection method: clinical testing. Allele origin: germline. Affected: yes. Observed: 3 variant alleles.

Labcorp Genetics (formerly Invitae), Labcorp
Classification: Likely pathogenic. Last evaluated: 2023-01-27. Review status: criteria provided, single submitter. Criteria: Invitae Variant Classification Sherloc (09022015). Collection method: clinical testing. Allele origin: germline.
Comment: In summary, the currently available evidence indicates that the variant is pathogenic, but additional data are needed to prove that conclusively. Therefore, this variant has been classified as Likely Pathogenic. Algorithms developed to predict the effect of sequence changes on RNA splicing suggest that this variant may disrupt the consensus splice site. This variant has not been reported in the literature in individuals affected with DNAH9-related conditions. This variant is not present in population databases (gnomAD no frequency). This sequence change affects a donor splice site in intron 27 of the DNAH9 gene. It is expected to disrupt RNA splicing. Variants that disrupt the donor or acceptor splice site typically lead to a loss of protein function (PMID: 16199547), and loss-of-function variants in DNAH9 are known to be pathogenic (PMID: 30471718).

Literature cited by the submitters: PubMed 16199547 (cited by Labcorp Genetics (formerly Invitae), Labcorp); PubMed 30471718 (cited by Labcorp Genetics (formerly Invitae), Labcorp).